The following is an entry in ClinVar:

ClinVar aggregate classification (germline): Uncertain significance (1 of 4 stars; one submission).

Conditions:
Hereditary cancer-predisposing syndrome. Also called: Neoplastic Syndromes, Hereditary; Tumor predisposition; Hereditary neoplastic syndrome; Hereditary Cancer Syndrome. Identifiers: Orphanet 140162, MedGen C0027672, MeSH D009386, MONDO:0015356.

Allele frequency attached by ClinVar (database versions not stated): ExAC 0.00001.
gnomAD v4.1: 1 of 1,614,154 alleles (0.000062%); highest among the groups gnomAD compares: Non-Finnish European, 0.000085%; no homozygotes.

Submission:

Ambry Genetics
Classification: Uncertain significance for Hereditary cancer-predisposing syndrome. Last evaluated: 2023-10-16. Review status: criteria provided, single submitter. Criteria: Ambry Variant Classification Scheme 2023. Collection method: clinical testing. Allele origin: germline.
Comment: The p.F446Y variant (also known as c.1337T>A), located in coding exon 14 of the MUTYH gene, results from a T to A substitution at nucleotide position 1337. The phenylalanine at codon 446 is replaced by tyrosine, an amino acid with highly similar properties. This amino acid position is conserved. In addition, this alteration is predicted to be deleterious by in silico analysis. Since supporting evidence is limited at this time, the clinical significance of this alteration remains unclear.

NM_001048174.2(MUTYH):c.1253T>A (p.Phe418Tyr)

Gene: MUTYH (mutY DNA glycosylase; minus strand). Cytogenetic location: 1p34.1.
Variant type: single nucleotide variant.
Coding change: c.1253T>A on transcript NM_001048174.2 (MANE Select); coding-DNA position 1253, T replaced by A.
Protein change: p.Phe418Tyr; replaces phenylalanine 418 with tyrosine.
Molecular consequence: missense variant. On other transcripts: non-coding transcript variant (7).
Genome position (GRCh38, 1-based): chr1:45,331,321, A>T on the plus strand (T>A on the coding strand, the complement: MUTYH is on the minus strand). VCF-style: chr1-45331321-A-T. GRCh37 (hg19) VCF-style: chr1-45796993-A-T.
Other names: c.1253T>A, p.Phe418Tyr (NM_001048171.2, NM_001048173.2, NM_001293195.2 and 6 more transcripts); c.1256T>A, p.Phe419Tyr (NM_001048172.2, NM_001407071.1, NM_001407078.1 and 1 more transcripts); c.1337T>A, p.Phe446Tyr (NM_001128425.2); c.1298T>A, p.Phe433Tyr (NM_001293190.2); c.1286T>A, p.Phe429Tyr (NM_001293191.2, NM_001407069.1, NM_001407077.1); c.977T>A, p.Phe326Tyr (NM_001293192.2, NM_001293196.2, NM_001407091.1); c.908T>A, p.Phe303Tyr (NM_001350650.2, NM_001350651.2, NM_001407082.1); c.1169T>A, p.Phe390Tyr (NM_001407075.1); and 5 more; short protein forms F303Y, F326Y, F390Y, F404Y, F405Y, F418Y, F419Y, F425Y.
Identifiers: ClinVar variation 3233024 (VCV003233024.1), dbSNP rs775654698, ClinGen allele CA056178.